The following is an entry in ClinVar:

ClinVar aggregate classification (germline): Uncertain significance. Review status: criteria provided, multiple submitters, no conflicts (2 of 4 stars). 2 submissions from 2 submitters: Uncertain significance (2). Last evaluated 2022-08-06.

Conditions:
Inborn genetic diseases. Identifiers: MedGen C0950123, MeSH D030342.
Leigh syndrome (NULS). Also called: Leigh Disease; LEIGH SYNDROME, NUCLEAR; Leigh Syndrome (mtDNA deletion); Subacute necrotizing encephalopathy; Necrotizing encephalopathy infantile subacute of Leigh; Leigh's syndrome. Identifiers: Orphanet 506, MedGen C2931891, MONDO:0009723, OMIM 256000.

Allele frequency attached by ClinVar (database versions not stated): TOPMed 0.00001; gnomAD 0.00003.
gnomAD v4.1: 7 of 1,613,686 alleles (0.00043%); highest among the groups gnomAD compares: African/African-American, 0.0093%; no homozygotes.

Submissions (2):

Labcorp Genetics (formerly Invitae), Labcorp
Classification: Uncertain significance for Leigh syndrome. Last evaluated: 2022-08-06. Review status: criteria provided, single submitter. Criteria: Invitae Variant Classification Sherloc (09022015). Collection method: clinical testing. Allele origin: germline.
Comment: This sequence change replaces glycine, which is neutral and non-polar, with arginine, which is basic and polar, at codon 172 of the SURF1 protein (p.Gly172Arg). This variant is present in population databases (no rsID available, gnomAD 0.02%). This variant has not been reported in the literature in individuals affected with SURF1-related conditions. ClinVar contains an entry for this variant (Variation ID: 1418650). Algorithms developed to predict the effect of missense changes on protein structure and function are either unavailable or do not agree on the potential impact of this missense change (SIFT: "Deleterious"; PolyPhen-2: "Probably Damaging"; Align-GVGD: "Class C0"). In summary, the available evidence is currently insufficient to determine the role of this variant in disease. Therefore, it has been classified as a Variant of Uncertain Significance.

Ambry Genetics
Classification: Uncertain significance for Inborn genetic diseases. Last evaluated: 2020-11-13. Review status: criteria provided, single submitter. Criteria: Ambry Variant Classification Scheme 2023. Collection method: clinical testing. Allele origin: germline.

NM_003172.4(SURF1):c.514G>A (p.Gly172Arg)

Gene: SURF1 (SURF1 cytochrome c oxidase assembly factor; minus strand). Cytogenetic location: 9q34.2.
Variant type: single nucleotide variant.
Coding change: c.514G>A on transcript NM_003172.4 (MANE Select); coding-DNA position 514, G replaced by A.
Protein change: p.Gly172Arg; replaces glycine 172 with arginine.
Molecular consequence: missense variant.
Genome position (GRCh38, 1-based): chr9:133,353,750, C>T on the plus strand (G>A on the coding strand, the complement: SURF1 is on the minus strand). VCF-style: chr9-133353750-C-T. GRCh37 (hg19) VCF-style: chr9-136220605-C-T.
Other names: c.187G>A, p.Gly63Arg (NM_001280787.1); c.514G>A (NM_003172.2); short protein forms G63R, G172R.
Identifiers: ClinVar variation 1418650 (VCV001418650.4), dbSNP rs1396233239, ClinGen allele CA375694124.